The following is an entry in ClinVar:

NM_001109809.5(ZFP57):c.1253G>T (p.Ser418Ile)

Gene: ZFP57 (ZFP57 zinc finger protein; minus strand). Cytogenetic location: 6p22.1.
Variant type: single nucleotide variant.
Coding change: c.1253G>T on transcript NM_001109809.5 (MANE Select); coding-DNA position 1253, G replaced by T.
Protein change: p.Ser418Ile; replaces serine 418 with isoleucine.
Molecular consequence: missense variant.
Genome position (GRCh38, 1-based): chr6:29,672,858, C>A on the plus strand (G>T on the coding strand, the complement: ZFP57 is on the minus strand). VCF-style: chr6-29672858-C-A. GRCh37 (hg19) VCF-style: chr6-29640635-C-A.
Other names: c.1037G>T, p.Ser346Ile (NM_001366333.2); short protein forms S346I, S418I.
Identifiers: ClinVar variation 1976445 (VCV001976445.3), dbSNP rs1771774727, ClinGen allele CA363043628.
Genomic context (GRCh38, chr6:29,672,858, plus strand): 5'-TTCTGCTTCCAGTGGGTCTGCTGGTGTCTGACCAGCCTGGAAAATGAGCTGAAAGACTTG[C>A]TGCAATGGAAGCAGTAGTTGGGCGGCTCTGTGAGGTGGGCCTTCTGGTGTCTGGAGAGAT-3'
Protein context (NP_001103279.2, residues 408-428): TEPPNYCFHC[Ser418Ile]KSFSSFSRLV

ClinVar aggregate classification (germline): Uncertain significance (1 of 4 stars; one submission).

Submission:

Labcorp Genetics (formerly Invitae), Labcorp
Classification: Uncertain significance. Last evaluated: 2023-12-07. Review status: criteria provided, single submitter. Criteria: Invitae Variant Classification Sherloc (09022015). Collection method: clinical testing. Allele origin: germline.
Comment: This sequence change replaces serine, which is neutral and polar, with isoleucine, which is neutral and non-polar, at codon 418 of the ZFP57 protein (p.Ser418Ile). This variant is not present in population databases (gnomAD no frequency). This variant has not been reported in the literature in individuals affected with ZFP57-related conditions. ClinVar contains an entry for this variant (Variation ID: 1976445). An algorithm developed to predict the effect of missense changes on protein structure and function (PolyPhen-2) suggests that this variant is likely to be disruptive. In summary, the available evidence is currently insufficient to determine the role of this variant in disease. Therefore, it has been classified as a Variant of Uncertain Significance.